The following is an entry in ClinVar:

NM_001145252.3(CFP):c.1295G>C (p.Trp432Ser)

Gene: CFP (complement factor properdin; minus strand). Cytogenetic location: Xp11.23.
Variant type: single nucleotide variant.
Coding change: c.1295G>C on transcript NM_001145252.3 (MANE Select); coding-DNA position 1295, G replaced by C.
Protein change: p.Trp432Ser; replaces tryptophan 432 with serine.
Molecular consequence: missense variant.
Genome position (GRCh38, 1-based): chrX:47,624,390, C>G on the plus strand (G>C on the coding strand, the complement: CFP is on the minus strand). VCF-style: chrX-47624390-C-G. GRCh37 (hg19) VCF-style: chrX-47483789-C-G.
Other names: c.1295G>C, p.Trp432Ser (NM_002621.2); short protein forms W432S.
Identifiers: ClinVar variation 4806688 (VCV004806688.2).

ClinVar aggregate classification (germline): Uncertain significance. Review status: criteria provided, multiple submitters, no conflicts (2 of 4 stars). 2 submissions from 2 submitters: Uncertain significance (2). Last evaluated 2025-09-28.

Submissions (2):

Labcorp Genetics (formerly Invitae), Labcorp
Classification: Uncertain significance. Last evaluated: 2025-09-28. Review status: criteria provided, single submitter. Criteria: Invitae Variant Classification Sherloc (09022015). Collection method: clinical testing. Allele origin: germline.
Comment: This sequence change replaces tryptophan, which is neutral and slightly polar, with serine, which is neutral and polar, at codon 432 of the CFP protein (p.Trp432Ser). This variant is present in population databases (rs759534525, gnomAD 0.001%). This variant has not been reported in the literature in individuals affected with CFP-related conditions. Invitae Evidence Modeling of protein sequence and biophysical properties (such as structural, functional, and spatial information, amino acid conservation, physicochemical variation, residue mobility, and thermodynamic stability) indicates that this missense variant is not expected to disrupt CFP protein function with a negative predictive value of 80%. In summary, the available evidence is currently insufficient to determine the role of this variant in disease. Therefore, it has been classified as a Variant of Uncertain Significance.

Blueprint Genetics
Classification: Uncertain significance. Last evaluated: 2020-11-20. Review status: criteria provided, single submitter. Criteria: ACMG Guidelines, 2015. Collection method: clinical testing. Allele origin: germline.